The following is an entry in ClinVar:

NM_004817.4(TJP2):c.3528C>G (p.Arg1176=)

Gene: TJP2 (tight junction protein 2; plus strand). Cytogenetic location: 9q21.11.
Variant type: single nucleotide variant.
Coding change: c.3528C>G on transcript NM_004817.4 (MANE Select); coding-DNA position 3528, C replaced by G.
Protein change: p.Arg1176=; no amino-acid change (arginine 1176 retained).
Molecular consequence: synonymous variant.
Genome position (GRCh38, 1-based): chr9:69,254,329, C>G. VCF-style: chr9-69254329-C-G. GRCh37 (hg19) VCF-style: chr9-71869245-C-G.
Other names: c.3018C>G, p.Arg1006= (NM_001170414.2); c.3429C>G, p.Arg1143= (NM_001170415.1); c.3621C>G, p.Arg1207= (NM_001170416.2); c.3453C>G, p.Arg1151= (NM_001369870.1); c.3459C>G, p.Arg1153= (NM_001369871.1); c.3417C>G, p.Arg1139= (NM_001369872.1); c.3204C>G, p.Arg1068= (NM_001369873.1); c.3099C>G, p.Arg1033= (NM_001369874.1); and 2 more.
Identifiers: ClinVar variation 3057924 (VCV003057924.2), dbSNP rs147675640, ClinGen allele CA465254895.

ClinVar aggregate classification (germline): Likely benign (0 of 4 stars; one submission).

Conditions:
TJP2-related disorder. Also called: TJP2-related condition.

gnomAD v4.1: 1 of 1,614,202 alleles (0.000062%); highest among the groups gnomAD compares: Admixed American, 0.0017%; no homozygotes.

Submission:

PreventionGenetics, part of Exact Sciences
Classification: Likely benign for TJP2-related condition. Last evaluated: 2021-11-07. Review status: no assertion criteria provided. Collection method: clinical testing. Allele origin: germline.
Comment: This variant is classified as likely benign based on ACMG/AMP sequence variant interpretation guidelines (Richards et al. 2015 PMID: 25741868, with internal and published modifications).